The following is an entry in ClinVar:

ClinVar aggregate classification (germline): Uncertain significance (1 of 4 stars; one submission).

Conditions:
Mevalonic aciduria (MEVA). Identifiers: Orphanet 29, MedGen C1959626, MONDO:0012481, OMIM 610377.
Hyperimmunoglobulin D with periodic fever (HIDS). Also called: HYPERIMMUNOGLOBULINEMIA D AND PERIODIC FEVER SYNDROME; Hyperimmunoglobulinemia D; Hyperimmunoglobulinemia D with periodic fever. Identifiers: Orphanet 343, MedGen C0398691, MONDO:0009849, OMIM 260920.
Porokeratosis 3, disseminated superficial actinic type (POROK3). Also called: POROKERATOSIS, DISSEMINATED SUPERFICIAL ACTINIC, 1; POROKERATOSIS 3, MULTIPLE TYPES; POROKERATOSIS 3, MIBELLI TYPE. Identifiers: MedGen C1867981, MONDO:0008293, OMIM 175900.

Submission:

Labcorp Genetics (formerly Invitae), Labcorp
Classification: Uncertain significance for Mevalonic aciduria; Hyperimmunoglobulin D with periodic fever; Porokeratosis 3, disseminated superficial actinic type. Last evaluated: 2022-12-20. Review status: criteria provided, single submitter. Criteria: Invitae Variant Classification Sherloc (09022015). Collection method: clinical testing. Allele origin: germline.
Comment: In summary, the available evidence is currently insufficient to determine the role of this variant in disease. Therefore, it has been classified as a Variant of Uncertain Significance. Advanced modeling of protein sequence and biophysical properties (such as structural, functional, and spatial information, amino acid conservation, physicochemical variation, residue mobility, and thermodynamic stability) performed at Invitae indicates that this missense variant is not expected to disrupt MVK protein function. This variant has not been reported in the literature in individuals affected with MVK-related conditions. This variant is not present in population databases (gnomAD no frequency). This sequence change replaces isoleucine, which is neutral and non-polar, with phenylalanine, which is neutral and non-polar, at codon 260 of the MVK protein (p.Ile260Phe).

NM_000431.4(MVK):c.778A>T (p.Ile260Phe)

Gene: MVK (mevalonate kinase; plus strand). Cytogenetic location: 12q24.11.
Variant type: single nucleotide variant.
Coding change: c.778A>T on transcript NM_000431.4 (MANE Select); coding-DNA position 778, A replaced by T.
Protein change: p.Ile260Phe; replaces isoleucine 260 with phenylalanine.
Molecular consequence: missense variant. On other transcripts: non-coding transcript variant (4).
Genome position (GRCh38, 1-based): chr12:109,591,250, A>T. VCF-style: chr12-109591250-A-T. GRCh37 (hg19) VCF-style: chr12-110029055-A-T.
Other names: c.778A>T, p.Ile260Phe (NM_001114185.3, NM_001414511.1, NM_001414513.1); c.622A>T, p.Ile208Phe (NM_001301182.2, NM_001414514.1); c.853A>T, p.Ile285Phe (NM_001414512.1); c.196A>T, p.Ile66Phe (NM_001414515.1); short protein forms I260F, I66F, I208F, I285F.
Identifiers: ClinVar variation 2942526 (VCV002942526.3), dbSNP rs2548637195, ClinGen allele CA386649219.
Genomic context (GRCh38, chr12:109,591,250, plus strand): 5'-GCATCTGCCTGCCCCCAGGCCTCACCAGCCGTTCCTTCTTTTTTTCTCCAGTTCCCAGAG[A>T]TCGTGGCCCCCCTCCTGACCTCAATAGATGCCATCTCCCTGGAGTGTGAGCGCGTGCTGG-3'
Protein context (NP_000422.1, residues 250-270): VRNRLLKFPE[Ile260Phe]VAPLLTSIDA